The following is an entry in ClinVar:

NM_022464.5(SIL1):c.1324G>A (p.Asp442Asn)

Gene: SIL1 (SIL1 nucleotide exchange factor; minus strand). Cytogenetic location: 5q31.2.
Variant type: single nucleotide variant.
Coding change: c.1324G>A on transcript NM_022464.5 (MANE Select); coding-DNA position 1324, G replaced by A.
Protein change: p.Asp442Asn; replaces aspartic acid 442 with asparagine.
Molecular consequence: missense variant.
Genome position (GRCh38, 1-based): chr5:138,947,179, C>T on the plus strand (G>A on the coding strand, the complement: SIL1 is on the minus strand). VCF-style: chr5-138947179-C-T. GRCh37 (hg19) VCF-style: chr5-138282868-C-T.
Other names: c.1324G>A, p.Asp442Asn (NM_001037633.2); short protein forms D442N.
Identifiers: ClinVar variation 4737486 (VCV004737486.1).

ClinVar aggregate classification (germline): Uncertain significance (1 of 4 stars; one submission).

Conditions:
Marinesco-Sjögren syndrome (MSS). Also called: Marinesco-SjÃ¶gren syndrome; Marinesco-Sjogren Syndrome. Identifiers: Orphanet 559, MedGen C0024814, MONDO:0009567, OMIM 248800.

Submission:

Labcorp Genetics (formerly Invitae), Labcorp
Classification: Uncertain significance for Marinesco-Sjögren syndrome. Last evaluated: 2025-02-16. Review status: criteria provided, single submitter. Criteria: Invitae Variant Classification Sherloc (09022015). Collection method: clinical testing. Allele origin: germline.
Comment: This sequence change replaces aspartic acid, which is acidic and polar, with asparagine, which is neutral and polar, at codon 442 of the SIL1 protein (p.Asp442Asn). This variant is not present in population databases (gnomAD no frequency). This variant has not been reported in the literature in individuals affected with SIL1-related conditions. Invitae Evidence Modeling of protein sequence and biophysical properties (such as structural, functional, and spatial information, amino acid conservation, physicochemical variation, residue mobility, and thermodynamic stability) indicates that this missense variant is not expected to disrupt SIL1 protein function with a negative predictive value of 80%. In summary, the available evidence is currently insufficient to determine the role of this variant in disease. Therefore, it has been classified as a Variant of Uncertain Significance.